The following is an entry in ClinVar:

NM_006393.3(NEBL):c.1466A>T (p.Asp489Val)

Gene: NEBL (nebulette; minus strand). Cytogenetic location: 10p12.31.
Variant type: single nucleotide variant.
Coding change: c.1466A>T on transcript NM_006393.3 (MANE Select); coding-DNA position 1466, A replaced by T.
Protein change: p.Asp489Val; replaces aspartic acid 489 with valine.
Molecular consequence: missense variant. On other transcripts: intron variant (9).
Genome position (GRCh38, 1-based): chr10:20,831,567, T>A on the plus strand (A>T on the coding strand, the complement: NEBL is on the minus strand). VCF-style: chr10-20831567-T-A. GRCh37 (hg19) VCF-style: chr10-21120496-T-A.
Other names: c.250-18627A>T (NM_001377326.1, NM_001377327.1, NM_001377328.1); c.358-18627A>T (NM_213569.2, NM_001173484.2, NM_001377322.1); c.301-18627A>T (NM_001377324.1); c.292-18627A>T (NM_001377325.1); c.310-18627A>T (NM_001377323.1); short protein forms D489V.
Identifiers: ClinVar variation 1773257 (VCV001773257.9), dbSNP rs753415890, ClinGen allele CA5432850.

ClinVar aggregate classification (germline): Uncertain significance. Review status: criteria provided, multiple submitters, no conflicts (2 of 4 stars). 2 submissions from 2 submitters: Uncertain significance (2). Last evaluated 2024-08-20.

Conditions:
Primary dilated cardiomyopathy (DCM). Also called: Dilated Cardiomyopathy. Identifiers: Orphanet 217604, MedGen C0007193, MeSH D002311, MONDO:0005021, HP:0001644. Inheritance: Various modes of inheritance.

Allele frequency attached by ClinVar (database versions not stated): gnomAD 0.00001.
gnomAD v4.1: 11 of 1,606,316 alleles (0.00068%); highest among the groups gnomAD compares: East Asian, 0.0022%; no homozygotes.

Submissions (2):

Ambry Genetics
Classification: Uncertain significance. Last evaluated: 2024-08-20. Review status: criteria provided, single submitter. Criteria: Ambry Variant Classification Scheme 2023. Collection method: clinical testing. Allele origin: germline.

Labcorp Genetics (formerly Invitae), Labcorp
Classification: Uncertain significance for Primary dilated cardiomyopathy. Last evaluated: 2022-01-03. Review status: criteria provided, single submitter. Criteria: Invitae Variant Classification Sherloc (09022015). Collection method: clinical testing. Allele origin: germline.
Comment: In summary, the available evidence is currently insufficient to determine the role of this variant in disease. Therefore, it has been classified as a Variant of Uncertain Significance. Algorithms developed to predict the effect of missense changes on protein structure and function are either unavailable or do not agree on the potential impact of this missense change (SIFT: "Deleterious"; PolyPhen-2: "Probably Damaging"; Align-GVGD: "Class C0"). This variant has not been reported in the literature in individuals affected with NEBL-related conditions. This variant is present in population databases (rs753415890, gnomAD 0.01%). This sequence change replaces aspartic acid, which is acidic and polar, with valine, which is neutral and non-polar, at codon 489 of the NEBL protein (p.Asp489Val).